The following is an entry in ClinVar:

ClinVar aggregate classification (germline): Uncertain significance (1 of 4 stars; one submission).

Conditions:
Nemaline myopathy 2 (NEM2). Also called: Nemaline myopathy 2, autosomal recessive. Identifiers: MedGen C1850569, MONDO:0009725, OMIM 256030.

Submission:

Labcorp Genetics (formerly Invitae), Labcorp
Classification: Uncertain significance for Nemaline myopathy 2. Last evaluated: 2022-06-27. Review status: criteria provided, single submitter. Criteria: Invitae Variant Classification Sherloc (09022015). Collection method: clinical testing. Allele origin: germline.
Comment: This sequence change falls in intron 16 of the NEB gene. It does not directly change the encoded amino acid sequence of the NEB protein. It affects a nucleotide within the consensus splice site. This variant is not present in population databases (gnomAD no frequency). This variant has not been reported in the literature in individuals affected with NEB-related conditions. Variants that disrupt the consensus splice site are a relatively common cause of aberrant splicing (PMID: 17576681, 9536098). In summary, the available evidence is currently insufficient to determine the role of this variant in disease. Therefore, it has been classified as a Variant of Uncertain Significance.

Literature cited by the submitters: PubMed 17576681; PubMed 9536098.

NM_001164508.2(NEB):c.1471-3C>T

Gene: NEB (nebulin; minus strand). Cytogenetic location: 2q23.3.
Variant type: single nucleotide variant.
Coding change: c.1471-3C>T on transcript NM_001164508.2 (MANE Select); 3 bases into the intron before coding-DNA position 1471, C replaced by T.
Molecular consequence: intron variant.
Genome position (GRCh38, 1-based): chr2:151,696,738, G>A on the plus strand (C>T on the coding strand, the complement: NEB is on the minus strand). VCF-style: chr2-151696738-G-A. GRCh37 (hg19) VCF-style: chr2-152553252-G-A.
Other names: c.1471-3C>T (NM_004543.5, NM_001164507.2, NM_001271208.2).
Identifiers: ClinVar variation 2075199 (VCV002075199.4), dbSNP rs2552269660, ClinGen allele CA2580064058.
Genomic context (GRCh38, chr2:151,696,738, plus strand): 5'-CAGGAGAGTCTGTAACTTGGGTGAATTTTGTCTTATCTGGATGGACTTTGTAGGTGTGCT[G>A]TGGGGAAGCAAAGGCATTTGGTTTAGTAGTATCACCTGTCAGATCCAAGGTGGCCCACAG-3'